The following is an entry in ClinVar:

NM_001370259.2(MEN1):c.200C>T (p.Pro67Leu)

Gene: MEN1 (menin 1; minus strand). Cytogenetic location: 11q13.1.
Variant type: single nucleotide variant.
Coding change: c.200C>T on transcript NM_001370259.2 (MANE Select); coding-DNA position 200, C replaced by T.
Protein change: p.Pro67Leu; replaces proline 67 with leucine.
Molecular consequence: missense variant.
Genome position (GRCh38, 1-based): chr11:64,809,910, G>A on the plus strand (C>T on the coding strand, the complement: MEN1 is on the minus strand). VCF-style: chr11-64809910-G-A. GRCh37 (hg19) VCF-style: chr11-64577382-G-A.
Other names: c.200C>T, p.Pro67Leu (NM_000244.4, NM_001370251.2, NM_001370260.2 and 9 more transcripts); short protein forms P67L.
Identifiers: ClinVar variation 836591 (VCV000836591.10), dbSNP rs757766498, ClinGen allele CA060989.

ClinVar aggregate classification (germline): Conflicting classifications of pathogenicity. Review status: criteria provided, conflicting classifications (1 of 4 stars). 2 submissions from 2 submitters: Uncertain significance (1); Likely benign (1). Last evaluated 2025-10-21.

Conditions:
Hereditary cancer-predisposing syndrome. Also called: Neoplastic Syndromes, Hereditary; Hereditary neoplastic syndrome; Tumor predisposition; Hereditary Cancer Syndrome. Identifiers: Orphanet 140162, MedGen C0027672, MeSH D009386, MONDO:0015356.
Multiple endocrine neoplasia, type 1 (MEN1). Also called: MEA I; MEN I; WERMER SYNDROME; Endocrine adenomatosis multiple; MEN 1. Identifiers: Orphanet 652, MedGen C0025267, MeSH D018761, MONDO:0007540, OMIM 131100.

Allele frequency attached by ClinVar (database versions not stated): gnomAD exomes below 0.00001 and 0.00001; ExAC 0.00002.

Submissions (2):

Labcorp Genetics (formerly Invitae), Labcorp
Classification: Likely benign for Multiple endocrine neoplasia, type 1. Last evaluated: 2025-10-21. Review status: criteria provided, single submitter. Criteria: Invitae Variant Classification Sherloc (09022015). Collection method: clinical testing. Allele origin: germline.

Ambry Genetics
Classification: Uncertain significance for Hereditary cancer-predisposing syndrome. Last evaluated: 2025-09-06. Review status: criteria provided, single submitter. Criteria: Ambry Variant Classification Scheme 2023. Collection method: clinical testing. Allele origin: germline.
Comment: The p.P67L variant (also known as c.200C>T), located in coding exon 1 of the MEN1 gene, results from a C to T substitution at nucleotide position 200. The proline at codon 67 is replaced by leucine, an amino acid with similar properties. This amino acid position is well conserved in available vertebrate species. In addition, the in silico prediction for this alteration is inconclusive. Based on the available evidence, the clinical significance of this variant remains unclear.